The following is an entry in ClinVar:

NM_006231.4(POLE):c.4519C>G (p.Gln1507Glu)

Gene: POLE (DNA polymerase epsilon, catalytic subunit; minus strand). Cytogenetic location: 12q24.33.
Variant type: single nucleotide variant.
Coding change: c.4519C>G on transcript NM_006231.4 (MANE Select); coding-DNA position 4519, C replaced by G.
Protein change: p.Gln1507Glu; replaces glutamine 1507 with glutamic acid.
Molecular consequence: missense variant.
Genome position (GRCh38, 1-based): chr12:132,643,256, G>C on the plus strand (C>G on the coding strand, the complement: POLE is on the minus strand). VCF-style: chr12-132643256-G-C. GRCh37 (hg19) VCF-style: chr12-133219842-G-C.
Other names: short protein forms Q1507E.
Identifiers: ClinVar variation 4672697 (VCV004672697.1).

ClinVar aggregate classification (germline): Uncertain significance (1 of 4 stars; one submission).

Conditions:
Hereditary cancer-predisposing syndrome. Also called: Neoplastic Syndromes, Hereditary; Tumor predisposition; Hereditary Cancer Syndrome; Hereditary neoplastic syndrome. Identifiers: Orphanet 140162, MedGen C0027672, MeSH D009386, MONDO:0015356.

Submission:

Ambry Genetics
Classification: Uncertain significance for Hereditary cancer-predisposing syndrome. Last evaluated: 2025-12-09. Review status: criteria provided, single submitter. Criteria: Ambry Variant Classification Scheme 2023. Collection method: clinical testing. Allele origin: germline.
Comment: The p.Q1507E variant (also known as c.4519C>G), located in coding exon 35 of the POLE gene, results from a C to G substitution at nucleotide position 4519. The glutamine at codon 1507 is replaced by glutamic acid, an amino acid with highly similar properties. This amino acid position is conserved. In addition, the in silico prediction for this alteration is inconclusive. Based on the available evidence, the clinical significance of this variant remains unclear.